The following is an entry in ClinVar:

NM_001114753.3(ENG):c.61C>T (p.Pro21Ser)

Gene: ENG (endoglin; minus strand). Cytogenetic location: 9q34.11.
Variant type: single nucleotide variant.
Coding change: c.61C>T on transcript NM_001114753.3 (MANE Select); coding-DNA position 61, C replaced by T.
Protein change: p.Pro21Ser; replaces proline 21 with serine.
Molecular consequence: missense variant.
Genome position (GRCh38, 1-based): chr9:127,854,295, G>A on the plus strand (C>T on the coding strand, the complement: ENG is on the minus strand). VCF-style: chr9-127854295-G-A. GRCh37 (hg19) VCF-style: chr9-130616574-G-A.
Other names: c.61C>T, p.Pro21Ser (NM_000118.4, NM_001406715.1); short protein forms P21S.
Identifiers: ClinVar variation 3596458 (VCV003596458.2).
Genomic context (GRCh38, chr9:127,854,295, plus strand): 5'-CTGGTCCGTGCACCGGAGGCCGAGTCTCCCCACCCTGGGTCCCTGGACACCTACTTGTGG[G>A]GCTGAGGCTGCAGCTGGCCAGCAGCAGGGCAACAGCCAGAGGGAGCGTGCCGCGGTCCAT-3'
Protein context (NP_001108225.1, residues 11-31): ALLLASCSLS[Pro21Ser]TSLAETVHCD

ClinVar aggregate classification (germline): Uncertain significance. Review status: criteria provided, multiple submitters, no conflicts (2 of 4 stars). 2 submissions from 2 submitters: Uncertain significance (2). Last evaluated 2025-02-12.

Conditions:
Telangiectasia, hereditary hemorrhagic, type 1 (HHT1). Also called: Osler Weber Rendu syndrome type 1; ENG-Related Hereditary Hemorrhagic Telangiectasia. Identifiers: Orphanet 774, MedGen C4551861, MONDO:0008535, OMIM 187300. Disease mechanism: loss of function.
Hereditary hemorrhagic telangiectasia (HHT). Also called: ORW DISEASE; Osler Weber Rendu syndrome; OSLER-RENDU-WEBER DISEASE; Osler hemorrhagic telangiectasia syndrome. Identifiers: Orphanet 774, MedGen C0039445, MONDO:0019180. Disease mechanism: loss of function.

Submissions (2):

Labcorp Genetics (formerly Invitae), Labcorp
Classification: Uncertain significance for Hereditary hemorrhagic telangiectasia. Last evaluated: 2025-02-12. Review status: criteria provided, single submitter. Criteria: Invitae Variant Classification Sherloc (09022015). Collection method: clinical testing. Allele origin: germline.
Comment: This sequence change replaces proline, which is neutral and non-polar, with serine, which is neutral and polar, at codon 21 of the ENG protein (p.Pro21Ser). This variant is not present in population databases (gnomAD no frequency). This variant has not been reported in the literature in individuals affected with ENG-related conditions. ClinVar contains an entry for this variant (Variation ID: 3596458). Invitae Evidence Modeling of protein sequence and biophysical properties (such as structural, functional, and spatial information, amino acid conservation, physicochemical variation, residue mobility, and thermodynamic stability) indicates that this missense variant is not expected to disrupt ENG protein function with a negative predictive value of 95%. In summary, the available evidence is currently insufficient to determine the role of this variant in disease. Therefore, it has been classified as a Variant of Uncertain Significance.

Fulgent Genetics
Classification: Uncertain significance for Telangiectasia, hereditary hemorrhagic, type 1. Last evaluated: 2024-06-04. Review status: criteria provided, single submitter. Criteria: ACMG Guidelines, 2015. Collection method: clinical testing. Allele origin: germline.